The following is an entry in ClinVar:

ClinVar aggregate classification (germline): Uncertain significance. Review status: criteria provided, multiple submitters, no conflicts (2 of 4 stars). 4 submissions from 4 submitters: Uncertain significance (4). Last evaluated 2024-03-04.

Conditions:
Inborn genetic diseases. Identifiers: MedGen C0950123, MeSH D030342.
Jalili syndrome. Also called: CONE-ROD DYSTROPHY AND AMELOGENESIS IMPERFECTA. Identifiers: Orphanet 1873, MedGen C3495589, MONDO:0009007, OMIM 217080.

Allele frequency attached by ClinVar (database versions not stated): ExAC 0.00001; gnomAD 0.00002 and 0.00003; gnomAD exomes 0.00002; TOPMed 0.00004.

Submissions (4):

Ambry Genetics
Classification: Uncertain significance for Inborn genetic diseases. Last evaluated: 2024-03-04. Review status: criteria provided, single submitter. Criteria: Ambry Variant Classification Scheme 2023. Collection method: clinical testing. Allele origin: germline.

Labcorp Genetics (formerly Invitae), Labcorp
Classification: Uncertain significance. Last evaluated: 2022-03-10. Review status: criteria provided, single submitter. Criteria: Invitae Variant Classification Sherloc (09022015). Collection method: clinical testing. Allele origin: germline.
Comment: This sequence change replaces arginine, which is basic and polar, with tryptophan, which is neutral and slightly polar, at codon 713 of the CNNM4 protein (p.Arg713Trp). This variant is present in population databases (rs552453867, gnomAD 0.006%). This variant has not been reported in the literature in individuals affected with CNNM4-related conditions. ClinVar contains an entry for this variant (Variation ID: 337591). Algorithms developed to predict the effect of missense changes on protein structure and function are either unavailable or do not agree on the potential impact of this missense change (SIFT: "Tolerated"; PolyPhen-2: "Probably Damaging"; Align-GVGD: "Class C0"). In summary, the available evidence is currently insufficient to determine the role of this variant in disease. Therefore, it has been classified as a Variant of Uncertain Significance.

Blueprint Genetics
Classification: Uncertain significance. Last evaluated: 2021-08-16. Review status: criteria provided, single submitter. Criteria: ACMG Guidelines, 2015. Collection method: clinical testing. Allele origin: germline.

Illumina Laboratory Services, Illumina
Classification: Uncertain significance for Jalili syndrome. Last evaluated: 2018-01-13. Review status: criteria provided, single submitter. Criteria: ICSL Variant Classification Criteria 13 December 2019. Collection method: clinical testing. Allele origin: germline.

NM_020184.4(CNNM4):c.2137C>T (p.Arg713Trp)

Gene: CNNM4 (cyclin and CBS domain divalent metal cation transport mediator 4; plus strand). Cytogenetic location: 2q11.2.
Variant type: single nucleotide variant.
Coding change: c.2137C>T on transcript NM_020184.4 (MANE Select); coding-DNA position 2137, C replaced by T.
Protein change: p.Arg713Trp; replaces arginine 713 with tryptophan.
Molecular consequence: missense variant.
Genome position (GRCh38, 1-based): chr2:96,809,326, C>T. VCF-style: chr2-96809326-C-T. GRCh37 (hg19) VCF-style: chr2-97475063-C-T.
Other names: short protein forms R713W.
Identifiers: ClinVar variation 337591 (VCV000337591.11), dbSNP rs552453867, ClinGen allele CA1783601.
Genomic context (GRCh38, chr2:96,809,326, plus strand): 5'-ATAGGGTCTGCCTCCCAGCCCCTCCCTCCATGAACTCATCCCTTCCTCATGCAGATCACT[C>T]GGCAGCAGTACCAGAACGGGCTGCTGGCTTCTCGCATGGAGAACAGCCCTCAGTTTCCCA-3'
Protein context (NP_064569.3, residues 703-723): LVDLQYIKIT[Arg713Trp]QQYQNGLLAS